The following is an entry in ClinVar:

ClinVar aggregate classification (germline): Pathogenic. Review status: criteria provided, single submitter (1 of 4 stars). 2 submissions from 2 submitters: Pathogenic (1). 1 of the submissions does not count toward it. Last evaluated 2023-10-03.

Conditions:
Retinitis pigmentosa 11 (RP11). Identifiers: Orphanet 791, MedGen C1838601, MONDO:0010828, OMIM 600138.

Submissions (2):

Labcorp Genetics (formerly Invitae), Labcorp
Classification: Pathogenic. Last evaluated: 2023-10-03. Review status: criteria provided, single submitter. Criteria: Invitae Variant Classification Sherloc (09022015). Collection method: clinical testing. Allele origin: germline.
Comment: This sequence change creates a premature translational stop signal (p.Gln431*) in the PRPF31 gene. It is expected to result in an absent or disrupted protein product. Loss-of-function variants in PRPF31 are known to be pathogenic (PMID: 18317597, 23950152). This variant is not present in population databases (gnomAD no frequency). This premature translational stop signal has been observed in individual(s) with retinitis pigmentosa (PMID: 36317469). ClinVar contains an entry for this variant (Variation ID: 560487). For these reasons, this variant has been classified as Pathogenic.

Joint Genome Diagnostic Labs from Nijmegen and Maastricht, Radboudumc and MUMC+
Classification: Pathogenic for Retinitis pigmentosa 11. Last evaluated: 2016-09-01. Review status: no assertion criteria provided. Collection method: clinical testing. Allele origin: inherited. Affected: yes. Observed: 1 variant allele. Not counted in ClinVar's aggregate classification.

Literature cited by the submitters: PubMed 18317597 (cited by Labcorp Genetics (formerly Invitae), Labcorp); PubMed 23950152 (cited by Labcorp Genetics (formerly Invitae), Labcorp); PubMed 36317469 (cited by Labcorp Genetics (formerly Invitae), Labcorp).

NM_015629.4(PRPF31):c.1291C>T (p.Gln431Ter)

Gene: PRPF31 (pre-mRNA processing factor 31; plus strand). Cytogenetic location: 19q13.42.
Variant type: single nucleotide variant.
Coding change: c.1291C>T on transcript NM_015629.4 (MANE Select); coding-DNA position 1291, C replaced by T.
Protein change: p.Gln431Ter; replaces glutamine 431 with a stop codon.
Molecular consequence: nonsense.
Genome position (GRCh38, 1-based): chr19:54,129,287, C>T. VCF-style: chr19-54129287-C-T. GRCh37 (hg19) VCF-style: chr19-54632662-C-T.
Other names: short protein forms Q431*.
Identifiers: ClinVar variation 560487 (VCV000560487.7), dbSNP rs1568600184, ClinGen allele CA407755512.
Genomic context (GRCh38, chr19:54,129,287, plus strand): 5'-AAGGTGGGGGGAGCCCAGATCGCAGCCTCCCTGTCCTCCCCACAGCGGACCCTGCAGAAG[C>T]AGAGCGTCGTATATGGCGGGAAGTCCACCATCCGCGACCGCTCCTCGGGCACGGCCTCCA-3'